The following is an entry in ClinVar:

NM_017617.5(NOTCH1):c.2699G>T (p.Ser900Ile)

Gene: NOTCH1 (notch receptor 1; minus strand). Cytogenetic location: 9q34.3.
Variant type: single nucleotide variant.
Coding change: c.2699G>T on transcript NM_017617.5 (MANE Select); coding-DNA position 2699, G replaced by T.
Protein change: p.Ser900Ile; replaces serine 900 with isoleucine.
Molecular consequence: missense variant.
Genome position (GRCh38, 1-based): chr9:136,510,694, C>A on the plus strand (G>T on the coding strand, the complement: NOTCH1 is on the minus strand). VCF-style: chr9-136510694-C-A. GRCh37 (hg19) VCF-style: chr9-139405146-C-A.
Other names: short protein forms S900I.
Identifiers: ClinVar variation 3201351 (VCV003201351.2), dbSNP rs1589062647, ClinGen allele CA375554835.

ClinVar aggregate classification (germline): Uncertain significance (1 of 4 stars; one submission).

Conditions:
Familial thoracic aortic aneurysm and aortic dissection (TAAD). Also called: Thoracic aortic aneurysms and dissections. Identifiers: Orphanet 91387, MedGen C4707243, MONDO:0019625.

Submission:

Ambry Genetics
Classification: Uncertain significance for Familial thoracic aortic aneurysm and aortic dissection. Last evaluated: 2025-12-16. Review status: criteria provided, single submitter. Criteria: Ambry Variant Classification Scheme 2023. Collection method: clinical testing. Allele origin: germline.
Comment: The p.S900I variant (also known as c.2699G>T), located in coding exon 17 of the NOTCH1 gene, results from a G to T substitution at nucleotide position 2699. The serine at codon 900 is replaced by isoleucine, an amino acid with dissimilar properties. This amino acid position is conserved. In addition, this alteration is predicted to be tolerated by in silico analysis. Based on the available evidence, the clinical significance of this variant remains unclear.